The following is an entry in ClinVar:

NM_015378.4(VPS13D):c.6607G>A (p.Glu2203Lys)

Gene: VPS13D (vacuolar protein sorting 13 homolog D; plus strand). Cytogenetic location: 1p36.22.
Variant type: single nucleotide variant.
Coding change: c.6607G>A on transcript NM_015378.4 (MANE Select); coding-DNA position 6607, G replaced by A.
Protein change: p.Glu2203Lys; replaces glutamic acid 2203 with lysine.
Molecular consequence: missense variant.
Genome position (GRCh38, 1-based): chr1:12,308,598, G>A. VCF-style: chr1-12308598-G-A. GRCh37 (hg19) VCF-style: chr1-12368655-G-A.
Other names: p.Glu2203Lys; c.6607G>A, p.Glu2203Lys (NM_018156.4); short protein forms E2203K.
Identifiers: ClinVar variation 3332186 (VCV003332186.2).

ClinVar aggregate classification (germline): Uncertain significance. Review status: criteria provided, multiple submitters, no conflicts (2 of 4 stars). 2 submissions from 2 submitters: Uncertain significance (2). Last evaluated 2025-09-29.

Conditions:
Inborn genetic diseases. Identifiers: MedGen C0950123, MeSH D030342.

gnomAD v4.1: 30 of 1,613,802 alleles (0.0019%); highest among the groups gnomAD compares: Non-Finnish European, 0.0024%; no homozygotes.

Submissions (2):

Mayo Clinic Laboratories, Mayo Clinic
Classification: Uncertain significance. Last evaluated: 2025-09-29. Review status: criteria provided, single submitter. Criteria: ACMG Guidelines, 2015. Collection method: clinical testing. Allele origin: germline. Observed: 2 variant alleles.
Comment: BP4, PM2_supporting

Ambry Genetics
Classification: Uncertain significance for Inborn genetic diseases. Last evaluated: 2024-03-18. Review status: criteria provided, single submitter. Criteria: Ambry Variant Classification Scheme 2023. Collection method: clinical testing. Allele origin: germline.